The following is an entry in ClinVar:

ClinVar aggregate classification (germline): Uncertain significance (1 of 4 stars; one submission).

Conditions:
Hyper-IgM syndrome type 5 (HIGM5). Also called: Hyper-IgM Immunodeficiency Syndrome, Type 5. Identifiers: Orphanet 101092, MedGen C1720958, MONDO:0011971, OMIM 608106.

Allele frequency attached by ClinVar (database versions not stated): TOPMed below 0.00001.

Submission:

Labcorp Genetics (formerly Invitae), Labcorp
Classification: Uncertain significance for Hyper-IgM syndrome type 5. Last evaluated: 2022-02-21. Review status: criteria provided, single submitter. Criteria: Invitae Variant Classification Sherloc (09022015). Collection method: clinical testing. Allele origin: germline.
Comment: In summary, the available evidence is currently insufficient to determine the role of this variant in disease. Therefore, it has been classified as a Variant of Uncertain Significance. Algorithms developed to predict the effect of missense changes on protein structure and function output the following: SIFT: "Tolerated"; PolyPhen-2: "Benign"; Align-GVGD: "Class C0". The leucine amino acid residue is found in multiple mammalian species, which suggests that this missense change does not adversely affect protein function. This variant has not been reported in the literature in individuals affected with UNG-related conditions. This variant is present in population databases (rs767395614, gnomAD 0.0009%). This sequence change replaces serine, which is neutral and polar, with leucine, which is neutral and non-polar, at codon 246 of the UNG protein (p.Ser246Leu).

NM_080911.3(UNG):c.737C>T (p.Ser246Leu)

Gene: UNG (uracil DNA glycosylase; plus strand). Cytogenetic location: 12q24.11.
Variant type: single nucleotide variant.
Coding change: c.737C>T on transcript NM_080911.3 (MANE Select); coding-DNA position 737, C replaced by T.
Protein change: p.Ser246Leu; replaces serine 246 with leucine.
Molecular consequence: missense variant.
Genome position (GRCh38, 1-based): chr12:109,103,547, C>T. VCF-style: chr12-109103547-C-T. GRCh37 (hg19) VCF-style: chr12-109541352-C-T.
Other names: c.710C>T, p.Ser237Leu (NM_003362.4); short protein forms S237L, S246L.
Identifiers: ClinVar variation 2101219 (VCV002101219.4), dbSNP rs767395614, ClinGen allele CA6772747.